The following is an entry in ClinVar:

ClinVar aggregate classification (germline): Uncertain significance (1 of 4 stars; one submission).

Submission:

Labcorp Genetics (formerly Invitae), Labcorp
Classification: Uncertain significance. Last evaluated: 2020-11-16. Review status: criteria provided, single submitter. Criteria: Invitae Variant Classification Sherloc (09022015). Collection method: clinical testing. Allele origin: germline.
Comment: This sequence change replaces proline with arginine at codon 462 of the COL9A2 protein (p.Pro462Arg). The proline residue is highly conserved and there is a moderate physicochemical difference between proline and arginine. The frequency data for this variant in the population databases is considered unreliable, as metrics indicate insufficient coverage at this position in the ExAC database. This variant has not been reported in the literature in individuals with COL9A2-related conditions. Advanced modeling of protein sequence and biophysical properties (such as structural, functional, and spatial information, amino acid conservation, physicochemical variation, residue mobility, and thermodynamic stability) performed at Invitae indicates that this missense variant is not expected to disrupt COL9A2 protein function. In summary, the available evidence is currently insufficient to determine the role of this variant in disease. Therefore, it has been classified as a Variant of Uncertain Significance.

NM_001852.4(COL9A2):c.1385C>G (p.Pro462Arg)

Gene: COL9A2 (collagen type IX alpha 2 chain; minus strand). Cytogenetic location: 1p34.2.
Variant type: single nucleotide variant.
Coding change: c.1385C>G on transcript NM_001852.4 (MANE Select); coding-DNA position 1385, C replaced by G.
Protein change: p.Pro462Arg; replaces proline 462 with arginine.
Molecular consequence: missense variant.
Genome position (GRCh38, 1-based): chr1:40,303,823, G>C on the plus strand (C>G on the coding strand, the complement: COL9A2 is on the minus strand). VCF-style: chr1-40303823-G-C. GRCh37 (hg19) VCF-style: chr1-40769495-G-C.
Other names: short protein forms P462R.
Identifiers: ClinVar variation 1348347 (VCV001348347.8), dbSNP rs868507976, ClinGen allele CA339879285.